The following is an entry in ClinVar:

NM_080860.4(RSPH1):c.365+13T>C

Gene: RSPH1 (radial spoke head component 1; minus strand). Cytogenetic location: 21q22.3.
Variant type: single nucleotide variant.
Coding change: c.365+13T>C on transcript NM_080860.4 (MANE Select); 13 bases into the intron after coding-DNA position 365, T replaced by C.
Molecular consequence: intron variant.
Genome position (GRCh38, 1-based): chr21:42,486,358, A>G on the plus strand (T>C on the coding strand, the complement: RSPH1 is on the minus strand). VCF-style: chr21-42486358-A-G. GRCh37 (hg19) VCF-style: chr21-43906468-A-G.
Other names: c.251+13T>C (NM_001286506.2).
Identifiers: ClinVar variation 504821 (VCV000504821.18), dbSNP rs181902996, ClinGen allele CA10043970.
Genomic context (GRCh38, chr21:42,486,358, plus strand): 5'-TGTAAACAATCTGCAGACATCATGTTCTCATTACATAAGCAAATCCCGTTAAGACCCAAG[A>G]TAGAAACCGAACCTTTGATGAGCAAACCACTCTCCAGTGTAGGTGTCATTATTGATGTAG-3'

ClinVar aggregate classification (germline): Benign/Likely benign. Review status: criteria provided, multiple submitters, no conflicts (2 of 4 stars). 5 submissions from 5 submitters: Benign (2); Likely benign (3). Last evaluated 2026-01-22.

Conditions:
Primary ciliary dyskinesia. Also called: Ciliary dyskinesia. Identifiers: Orphanet 244, MedGen C0008780, MONDO:0016575, HP:0012265.
Primary ciliary dyskinesia 24 (CILD24). Also called: CILIARY DYSKINESIA, PRIMARY, 24, WITHOUT SITUS INVERSUS. Identifiers: Orphanet 244, MedGen C3809634, MONDO:0014202, OMIM 615481.

Allele frequency attached by ClinVar (database versions not stated): ESP Exome Variant Server 0.00446; gnomAD exomes 0.00460 and 0.00438; gnomAD 0.00462 and 0.00482; 1000 Genomes Project 0.00060; 1000 Genomes Project 30x 0.00062; TOPMed 0.00315; ExAC 0.00446.
gnomAD v4.1: 7,294 of 1,589,096 alleles (0.46%); highest among the groups gnomAD compares: Non-Finnish European, 0.5%; 40 homozygotes.

Submissions (5):

Labcorp Genetics (formerly Invitae), Labcorp
Classification: Benign for Primary ciliary dyskinesia. Last evaluated: 2026-01-22. Review status: criteria provided, single submitter. Criteria: Invitae Variant Classification Sherloc (09022015). Collection method: clinical testing. Allele origin: germline.

ARUP Laboratories, Molecular Genetics and Genomics, ARUP Laboratories
Classification: Likely benign for Primary ciliary dyskinesia 24. Last evaluated: 2025-05-07. Review status: criteria provided, single submitter. Criteria: ARUP Molecular Germline Variant Investigation Process 2024. Collection method: clinical testing. Allele origin: germline.

GeneDx
Classification: Likely benign. Last evaluated: 2020-12-17. Review status: criteria provided, single submitter. Criteria: GeneDx Variant Classification Process June 2021. Collection method: clinical testing. Allele origin: germline. Affected: yes.

Laboratory for Molecular Medicine, Mass General Brigham Personalized Medicine
Classification: Benign. Last evaluated: 2014-11-24. Review status: criteria provided, single submitter. Criteria: LMM Criteria. Collection method: clinical testing. Allele origin: germline. Observed: 1 variant allele.
Comment: 365+13T>C in intron 4 of RSPH1: This variant is not expected to have clinical si gnificance because it is not located within the conserved splice consensus seque nce. It has been identified in 0.6% (55/8600) of European American chromosomes f rom a broad population by the NHLBI Exome Sequencing Project (dbSNP rs181902996).

Breakthrough Genomics
Classification: Likely benign. Review status: criteria provided, single submitter. Criteria: ACMG Guidelines, 2015. Collection method: not provided. Allele origin: germline. Inheritance: Autosomal recessive inheritance. Affected: yes.